The following is an entry in ClinVar:

ClinVar aggregate classification (germline): Benign. Review status: criteria provided, single submitter (1 of 4 stars). 2 submissions from 1 submitter: Benign (2). Last evaluated 2018-01-13.

Conditions:
Hypophosphatemic rickets, autosomal recessive, 2 (ARHR2). Identifiers: Orphanet 289176, MedGen C2750078, MONDO:0013219, OMIM 613312.
Arterial calcification, generalized, of infancy, 1 (GACI1). Also called: Idiopathic Infantile Arterial Calcification. Identifiers: Orphanet 51608, MedGen C4551985, MONDO:0008817, OMIM 208000.

Allele frequency attached by ClinVar (database versions not stated): gnomAD exomes 0.00119; 1000 Genomes Project 30x 0.00796; gnomAD 0.00811 and 0.00861; 1000 Genomes Project 0.00839; TOPMed 0.00944.
gnomAD v4.1: 1,252 of 175,894 alleles (0.71%); highest among the groups gnomAD compares: African/African-American, 2.7%; 21 homozygotes.

Submissions (2):

Illumina Laboratory Services, Illumina
Classification: Benign for Hypophosphatemic rickets, autosomal recessive, 2. Last evaluated: 2018-01-13. Review status: criteria provided, single submitter. Criteria: ICSL Variant Classification Criteria 13 December 2019. Collection method: clinical testing. Allele origin: germline.
Comment: This variant was observed in the ICSL laboratory as part of a predisposition screen in an ostensibly healthy population. It had not been previously curated by ICSL or reported in the Human Gene Mutation Database (HGMD: prior to June 1st, 2018), and was therefore a candidate for classification through an automated scoring system. Utilizing variant allele frequency, disease prevalence and penetrance estimates, and inheritance mode, an automated score was calculated to assess if this variant is too frequent to cause the disease. Based on the score and internal cut-off values, a variant classified as benign is not then subjected to further curation. The score for this variant resulted in a classification of benign for this disease.

Illumina Laboratory Services, Illumina
Classification: Benign for Arterial calcification, generalized, of infancy, 1. Last evaluated: 2018-01-13. Review status: criteria provided, single submitter. Criteria: ICSL Variant Classification Criteria 13 December 2019. Collection method: clinical testing. Allele origin: germline.
Comment: the same text as in the submission from Illumina Laboratory Services, Illumina above.

NM_006208.3(ENPP1):c.*400C>A

Gene: ENPP1 (ectonucleotide pyrophosphatase/phosphodiesterase 1; plus strand). Cytogenetic location: 6q23.2.
Variant type: single nucleotide variant.
Coding change: c.*400C>A on transcript NM_006208.3 (MANE Select); 400 bases downstream of the stop codon, C replaced by A.
Molecular consequence: 3 prime UTR variant.
Genome position (GRCh38, 1-based): chr6:131,890,911, C>A. VCF-style: chr6-131890911-C-A. GRCh37 (hg19) VCF-style: chr6-132212051-C-A.
Identifiers: ClinVar variation 904921 (VCV000904921.4), dbSNP rs55828988, ClinGen allele CA147909081.
Genomic context (GRCh38, chr6:131,890,911, plus strand): 5'-TTGGTAATAAACCTTGATGGCATTGGGCAAACAGTAGACTTATAGTAGGGTTGGGGTAGC[C>A]CATGTTATGTGACTATCTTTATGAGAATTTTAAAGTGGTTCTGGATATCTTTTAACTTGG-3'